The following is an entry in ClinVar:

NM_006197.4(PCM1):c.3391A>C (p.Asn1131His)

Gene: PCM1 (pericentriolar material 1; plus strand). Cytogenetic location: 8p22.
Variant type: single nucleotide variant.
Coding change: c.3391A>C on transcript NM_006197.4 (MANE Select); coding-DNA position 3391, A replaced by C.
Protein change: p.Asn1131His; replaces asparagine 1131 with histidine.
Molecular consequence: missense variant. On other transcripts: non-coding transcript variant (1).
Genome position (GRCh38, 1-based): chr8:17,967,149, A>C. VCF-style: chr8-17967149-A-C. GRCh37 (hg19) VCF-style: chr8-17824658-A-C.
Other names: c.3508A>C, p.Asn1170His (NM_001352633.2, NM_001352637.2, NM_001352638.2 and 4 more transcripts); c.3391A>C, p.Asn1131His (NM_001352634.2, NM_001352639.2, NM_001352641.2 and 13 more transcripts); c.3394A>C, p.Asn1132His (NM_001352635.2, NM_001352640.2, NM_001352648.2 and 2 more transcripts); c.3511A>C, p.Asn1171His (NM_001352636.2); short protein forms N1131H, N1132H, N1170H, N1171H.
Identifiers: ClinVar variation 3039177 (VCV003039177.8), dbSNP rs35041534, ClinGen allele CA4649454.
Genomic context (GRCh38, chr8:17,967,149, plus strand): 5'-TTTTGTCCTTTCAGCTTTCCAACACAGCCTGTAAATCTCTTCAATATACCTGGATTTACT[A>C]ACTTTTCATCATTTGCACCAGGTAGGTGACTTAACCTAAAGAGAAAATAAATAAAAGCAA-3'
Protein context (NP_006188.4, residues 1121-1141): VNLFNIPGFT[Asn1131His]FSSFAPGMNF

ClinVar aggregate classification (germline): Likely benign. Review status: criteria provided, single submitter (1 of 4 stars). 2 submissions from 2 submitters: Likely benign (1). 1 of the submissions does not count toward it. Last evaluated 2025-11-01.

Conditions:
PCM1-related disorder. Also called: PCM1-related condition.

Allele frequency attached by ClinVar (database versions not stated): 1000 Genomes Project 0.00040; 1000 Genomes Project 30x 0.00047; ESP Exome Variant Server 0.00219.
gnomAD v4.1: 4,388 of 1,595,902 alleles (0.27%); highest among the groups gnomAD compares: Non-Finnish European, 0.35%; 9 homozygotes.

Submissions (2):

CeGaT Center for Human Genetics Tuebingen
Classification: Likely benign. Last evaluated: 2025-11-01. Review status: criteria provided, single submitter. Criteria: CeGaT Center For Human Genetics Tuebingen Variant Classification Criteria Version 2. Collection method: clinical testing. Allele origin: germline. Affected: yes. Observed: 1 variant allele.
Comment: PCM1: BS2

PreventionGenetics, part of Exact Sciences
Classification: Likely benign for PCM1-related condition. Last evaluated: 2022-06-21. Review status: no assertion criteria provided. Collection method: clinical testing. Allele origin: germline. Not counted in ClinVar's aggregate classification.
Comment: This variant is classified as likely benign based on ACMG/AMP sequence variant interpretation guidelines (Richards et al. 2015 PMID: 25741868, with internal and published modifications).